The following is an entry in ClinVar:

NM_005609.4(PYGM):c.632del (p.Ser211fs)

Gene: PYGM (glycogen phosphorylase, muscle associated; minus strand). Cytogenetic location: 11q13.1.
Variant type: Deletion.
Coding change: c.632del on transcript NM_005609.4 (MANE Select); coding-DNA position 632, one base deleted (G; older notation c.632delG).
Protein change: p.Ser211fs; shifts the reading frame from serine 211.
Molecular consequence: frameshift variant.
Genome position (GRCh38, 1-based): chr11:64,757,807, C deleted on the plus strand (G on the coding strand, the reverse complement: PYGM is on the minus strand). VCF-style (leftmost placement, unchanged base first): chr11-64757806-GC-G. GRCh37 (hg19) VCF-style: chr11-64525278-GC-G.
Other names: c.368del, p.Ser123fs (NM_001164716.1); c.632delG (NM_005609.3); short protein forms S123fs, S211fs.
Identifiers: ClinVar variation 1452880 (VCV001452880.32), dbSNP rs759015176, ClinGen allele CA6080184.
Genomic context (GRCh38, chr11:64,757,806, plus strand): 5'-CTGGGCTCCCCTGACCCCCAGCTTCATCCTCACCTGTGTGTCCACCCACTTGGCACCCTG[GC>G]TGGTGTGCTCCACATGGCCGTAGAAGTGCACAGGTAGCGTGAACTCGGGCCGGGCCTTCT-3'

ClinVar aggregate classification (germline): Pathogenic. Review status: criteria provided, multiple submitters, no conflicts (2 of 4 stars). 4 submissions from 4 submitters: Pathogenic (4). Last evaluated 2025-10-05.

Conditions:
Glycogen storage disease, type V (GSD5). Also called: McArdle type glycogen storage disease; MCARDLE DISEASE; MUSCLE GLYCOGEN PHOSPHORYLASE DEFICIENCY; MYOPHOSPHORYLASE DEFICIENCY; PYGM DEFICIENCY. Identifiers: Orphanet 368, MedGen C0017924, MONDO:0009293, OMIM 232600.

Allele frequency attached by ClinVar (database versions not stated): ExAC 0.00001.

Submissions (4):

Natera, Inc.
Classification: Pathogenic for Glycogen storage disease V. Last evaluated: 2025-10-05. Review status: criteria provided, single submitter. Criteria: Natera Variant Classification Schema (03/2026). Collection method: clinical testing. Allele origin: germline.
Comment: The c.632delG variant in PYGM is a frameshift variant predicted to shift the reading frame beginning at codon 211 and leads to a stop codon 84 codons downstream. This variant is expected to result in nonsense mediated decay, truncation, or a dysfunctional protein product. This variant is rare in the general population with a frequency below the threshold expected for the associated phenotype(s). This variant has been observed in one or more individuals affected with the associated recessive disease, as either homozygous or compound heterozygous with a second variant (PMID: 22608882). Given the available evidence, this variant is classified as Pathogenic.

CeGaT Center for Human Genetics Tuebingen
Classification: Pathogenic. Last evaluated: 2023-12-01. Review status: criteria provided, single submitter. Criteria: CeGaT Center For Human Genetics Tuebingen Variant Classification Criteria Version 2. Collection method: clinical testing. Allele origin: germline. Affected: yes. Observed: 1 variant allele.
Comment: PYGM: PVS1, PM2

Labcorp Genetics (formerly Invitae), Labcorp
Classification: Pathogenic for Glycogen storage disease, type V. Last evaluated: 2023-11-08. Review status: criteria provided, single submitter. Criteria: Invitae Variant Classification Sherloc (09022015). Collection method: clinical testing. Allele origin: germline.
Comment: This sequence change creates a premature translational stop signal (p.Ser211Thrfs*84) in the PYGM gene. It is expected to result in an absent or disrupted protein product. Loss-of-function variants in PYGM are known to be pathogenic (PMID: 8316268, 16786513). This variant is not present in population databases (gnomAD no frequency). This premature translational stop signal has been observed in individuals with McArdle disease (PMID: 22608882). ClinVar contains an entry for this variant (Variation ID: 1452880). For these reasons, this variant has been classified as Pathogenic.

Baylor Genetics
Classification: Pathogenic for Glycogen storage disease, type V. Last evaluated: 2023-09-03. Review status: criteria provided, single submitter. Criteria: ACMG Guidelines, 2015. Collection method: clinical testing. Allele origin: unknown.

Literature cited by the submitters: PubMed 22608882 (cited by Natera, Inc. and Labcorp Genetics (formerly Invitae), Labcorp); PubMed 8316268 (cited by Labcorp Genetics (formerly Invitae), Labcorp); PubMed 16786513 (cited by Labcorp Genetics (formerly Invitae), Labcorp).